The following is an entry in ClinVar:

ClinVar aggregate classification (germline): Uncertain significance (1 of 4 stars; one submission).

Conditions:
Neuromuscular disease caused by qualitative or quantitative defects of dysferlin. Also called: Qualitative or quantitative defects of dysferlin; Dysferlinopathy. Identifiers: Orphanet 207073, MedGen C2931687, MONDO:0016145.

Submission:

Labcorp Genetics (formerly Invitae), Labcorp
Classification: Uncertain significance for Neuromuscular disease caused by qualitative or quantitative defects of dysferlin. Last evaluated: 2022-08-22. Review status: criteria provided, single submitter. Criteria: Invitae Variant Classification Sherloc (09022015). Collection method: clinical testing. Allele origin: germline.
Comment: This variant results in a copy number gain of the genomic region encompassing exon(s) 1-3 of the DYSF gene. This region includes the initiator codon of the gene. This copy number gain extends beyond the assayed region for this gene and therefore may encompass additional genes. As the precise location of this event is unknown, it may be in tandem or it may be located elsewhere in the genome. This variant has not been reported in the literature in individuals affected with DYSF-related conditions. Experimental studies and prediction algorithms are not available or were not evaluated, and the functional significance of this variant is currently unknown. In summary, the available evidence is currently insufficient to determine the role of this variant in disease. Therefore, it has been classified as a Variant of Uncertain Significance.

NC_000002.11:g.(?_71681129)_(71709120_?)dup

Gene: DYSF (dysferlin; plus strand). Cytogenetic location: 2p13.2.
Variant type: Duplication.
Identifiers: ClinVar variation 1439906 (VCV001439906.4).